The following is an entry in ClinVar:

ClinVar aggregate classification (germline): Uncertain significance (1 of 4 stars; one submission).

gnomAD v4.1: 1 of 1,614,104 alleles (0.000062%); no homozygotes.

Submission:

Labcorp Genetics (formerly Invitae), Labcorp
Classification: Uncertain significance. Last evaluated: 2023-06-06. Review status: criteria provided, single submitter. Criteria: Invitae Variant Classification Sherloc (09022015). Collection method: clinical testing. Allele origin: germline.
Comment: This variant is present in population databases (no rsID available, gnomAD no frequency). This variant has not been reported in the literature in individuals affected with SHPK-related conditions. An algorithm developed to predict the effect of missense changes on protein structure and function (PolyPhen-2) suggests that this variant is likely to be disruptive. In summary, the available evidence is currently insufficient to determine the role of this variant in disease. Therefore, it has been classified as a Variant of Uncertain Significance. This sequence change replaces leucine, which is neutral and non-polar, with proline, which is neutral and non-polar, at codon 147 of the SHPK protein (p.Leu147Pro).

NM_013276.4(SHPK):c.440T>C (p.Leu147Pro)

Genes: SHPK (sedoheptulokinase; minus strand), LOC126862464 (MED14-independent group 3 enhancer GRCh37_chr17:3526895-3528094; plus strand). Cytogenetic location: 17p13.2.
Variant type: single nucleotide variant.
Coding change: c.440T>C on transcript NM_013276.4 (MANE Select); coding-DNA position 440, T replaced by C.
Protein change: p.Leu147Pro; replaces leucine 147 with proline.
Molecular consequence: missense variant.
Genome position (GRCh38, 1-based): chr17:3,624,102, A>G on the plus strand (T>C on the coding strand, the complement: SHPK is on the minus strand). VCF-style: chr17-3624102-A-G. GRCh37 (hg19) VCF-style: chr17-3527396-A-G.
Other names: short protein forms L147P.
Identifiers: ClinVar variation 2767467 (VCV002767467.3), dbSNP rs1364965654, ClinGen allele CA397701943.